The following is an entry in ClinVar:

ClinVar aggregate classification (germline): Uncertain significance (1 of 4 stars; one submission).

gnomAD v4.1: 47 of 1,593,520 alleles (0.0029%); highest among the groups gnomAD compares: Non-Finnish European, 0.0038%; no homozygotes.

Submission:

Clinical Genomics Laboratory, Washington University in St. Louis
Classification: Uncertain significance. Last evaluated: 2025-10-08. Review status: criteria provided, single submitter. Criteria: ACMG Guidelines, 2015. Collection method: clinical testing. Allele origin: germline.
Comment: The PTPRD c.2324G>A (p.Trp775*) variant, to our knowledge, has not been reported in the medical literature. This variant is absent from the general population (gnomAD v2.1.1), indicating it is not a common variant. This variant causes a premature termination codon, which is predicted to lead to nonsense-mediated decay. Due to limited information, the clinical significance of this variant is uncertain.

NM_002839.4(PTPRD):c.2324G>A (p.Trp775Ter)

Gene: PTPRD (protein tyrosine phosphatase receptor type D; minus strand). Cytogenetic location: 9p24.1.
Variant type: single nucleotide variant.
Coding change: c.2324G>A on transcript NM_002839.4 (MANE Select); coding-DNA position 2324, G replaced by A.
Protein change: p.Trp775Ter; replaces tryptophan 775 with a stop codon.
Molecular consequence: nonsense. On other transcripts: intron variant (7).
Genome position (GRCh38, 1-based): chr9:8,497,267, C>T on the plus strand (G>A on the coding strand, the complement: PTPRD is on the minus strand). VCF-style: chr9-8497267-C-T. GRCh37 (hg19) VCF-style: chr9-8497267-C-T.
Other names: c.2324G>A, p.Trp775Ter (NM_001377958.1, NM_001378058.1); c.1792+6994G>A (NM_001171025.2); c.1804+6994G>A (NM_001377946.1, NM_130393.3); c.1813+6994G>A (NM_001377947.1, NM_001040712.2); c.1822+6994G>A (NM_130391.4, NM_130392.3); short protein forms W775*.
Identifiers: ClinVar variation 4879286 (VCV004879286.1).
Genomic context (GRCh38, chr9:8,497,267, plus strand): 5'-GTCTGCTTTTGACAAAACAGTCAAAAATTACTCACATGTTCAGTAGTATCATCAAATTCC[C>T]ACTGATTGAGAATAAGAAGGTTGGGAGGAAAACAAAATAAAAAGAAAAAGAATTTAAAGC-3'